The following is an entry in ClinVar:

NM_002691.4(POLD1):c.1926C>T (p.Thr642=)

Gene: POLD1 (DNA polymerase delta 1, catalytic subunit; plus strand). Cytogenetic location: 19q13.33.
Variant type: single nucleotide variant.
Coding change: c.1926C>T on transcript NM_002691.4 (MANE Select); coding-DNA position 1926, C replaced by T.
Protein change: p.Thr642=; no amino-acid change (threonine 642 retained).
Molecular consequence: synonymous variant. On other transcripts: non-coding transcript variant (1).
Genome position (GRCh38, 1-based): chr19:50,409,155, C>T. VCF-style: chr19-50409155-C-T. GRCh37 (hg19) VCF-style: chr19-50912412-C-T.
Other names: c.1926C>T, p.Thr642= (NM_001256849.1); c.2004C>T, p.Thr668= (NM_001308632.1).
Identifiers: ClinVar variation 388902 (VCV000388902.15), dbSNP rs147312151, ClinGen allele CA9596328.

ClinVar aggregate classification (germline): Likely benign. Review status: criteria provided, multiple submitters, no conflicts (2 of 4 stars). 4 submissions from 4 submitters: Likely benign (4). Last evaluated 2025-12-16.

Conditions:
Hereditary cancer-predisposing syndrome. Also called: Neoplastic Syndromes, Hereditary; Hereditary neoplastic syndrome; Hereditary Cancer Syndrome; Tumor predisposition. Identifiers: Orphanet 140162, MedGen C0027672, MeSH D009386, MONDO:0015356.
POLD1-related polyposis and colorectal cancer syndrome (CRCS10). Also called: Colorectal cancer, susceptibility to, 10; Colorectal cancer 10; COLORECTAL CANCER, SUSCEPTIBILITY TO, ON CHROMOSOME 19q. Identifiers: Orphanet 220460, MedGen C2675481, MONDO:0012953, OMIM 612591.

Allele frequency attached by ClinVar (database versions not stated): TOPMed 0.00001; gnomAD exomes 0.00003 and 0.00007; gnomAD 0.00004 and 0.00005; ExAC 0.00005; 1000 Genomes Project 30x 0.00016; 1000 Genomes Project 0.00020.
gnomAD v4.1: 44 of 1,613,414 alleles (0.0027%); highest among the groups gnomAD compares: South Asian, 0.0011%; no homozygotes.

Submissions (4):

Labcorp Genetics (formerly Invitae), Labcorp
Classification: Likely benign for POLD1-related polyposis and colorectal cancer syndrome. Last evaluated: 2025-12-16. Review status: criteria provided, single submitter. Criteria: Invitae Variant Classification Sherloc (09022015). Collection method: clinical testing. Allele origin: germline.

Blueprint Genetics
Classification: Likely benign. Last evaluated: 2024-02-08. Review status: criteria provided, single submitter. Criteria: ACMG Guidelines, 2015. Collection method: clinical testing. Allele origin: germline.

Ambry Genetics
Classification: Likely benign for Hereditary cancer-predisposing syndrome. Last evaluated: 2018-01-16. Review status: criteria provided, single submitter. Criteria: Ambry Variant Classification Scheme 2023. Collection method: clinical testing. Allele origin: germline.

GeneDx
Classification: Likely benign. Last evaluated: 2016-08-24. Review status: criteria provided, single submitter. Criteria: GeneDx Variant Classification (06012015). Collection method: clinical testing. Allele origin: germline. Affected: yes.
Comment: This variant is considered likely benign or benign based on one or more of the following criteria: it is a conservative change, it occurs at a poorly conserved position in the protein, it is predicted to be benign by multiple in silico algorithms, and/or has population frequency not consistent with disease.